The following is an entry in ClinVar:

NM_032444.4(SLX4):c.80A>T (p.Asp27Val)

Gene: SLX4 (SLX4 structure-specific endonuclease subunit; minus strand). Cytogenetic location: 16p13.3.
Variant type: single nucleotide variant.
Coding change: c.80A>T on transcript NM_032444.4 (MANE Select); coding-DNA position 80, A replaced by T.
Protein change: p.Asp27Val; replaces aspartic acid 27 with valine.
Molecular consequence: missense variant.
Genome position (GRCh38, 1-based): chr16:3,608,885, T>A on the plus strand (A>T on the coding strand, the complement: SLX4 is on the minus strand). VCF-style: chr16-3608885-T-A. GRCh37 (hg19) VCF-style: chr16-3658886-T-A.
Other names: c.80A>T (LRG_503t1); short protein forms D27V.
Identifiers: ClinVar variation 578617 (VCV000578617.6), dbSNP rs1567178445, ClinGen allele CA394548001.

ClinVar aggregate classification (germline): Uncertain significance (1 of 4 stars; one submission).

Conditions:
Fanconi anemia (FA). Also called: Fanconi's anemia. Identifiers: Orphanet 84, MedGen C0015625, MeSH D005199, MONDO:0019391.

Allele frequency attached by ClinVar (database versions not stated): TOPMed below 0.00001.

Submission:

Labcorp Genetics (formerly Invitae), Labcorp
Classification: Uncertain significance for Fanconi anemia. Last evaluated: 2018-02-14. Review status: criteria provided, single submitter. Criteria: Invitae Variant Classification Sherloc (09022015). Collection method: clinical testing. Allele origin: germline.
Comment: This sequence change replaces aspartic acid with valine at codon 27 of the SLX4 protein (p.Asp27Val). The aspartic acid residue is weakly conserved and there is a large physicochemical difference between aspartic acid and valine. This variant is not present in population databases (ExAC no frequency). This variant has not been reported in the literature in individuals with SLX4-related disease. Algorithms developed to predict the effect of missense changes on protein structure and function do not agree on the potential impact of this missense change (SIFT: "Deleterious"; PolyPhen-2: "Benign"; Align-GVGD: "Class C0"). In summary, the available evidence is currently insufficient to determine the role of this variant in disease. Therefore, it has been classified as a Variant of Uncertain Significance.